The following is an entry in ClinVar:

NM_018055.5(NODAL):c.831G>C (p.Glu277Asp)

Gene: NODAL (nodal growth differentiation factor; minus strand). Cytogenetic location: 10q22.1.
Variant type: single nucleotide variant.
Coding change: c.831G>C on transcript NM_018055.5 (MANE Select); coding-DNA position 831, G replaced by C.
Protein change: p.Glu277Asp; replaces glutamic acid 277 with aspartic acid.
Molecular consequence: missense variant.
Genome position (GRCh38, 1-based): chr10:70,435,346, C>G on the plus strand (G>C on the coding strand, the complement: NODAL is on the minus strand). VCF-style: chr10-70435346-C-G. GRCh37 (hg19) VCF-style: chr10-72195102-C-G.
Other names: c.432G>C, p.Glu144Asp (NM_001329906.2); short protein forms E144D, E277D.
Identifiers: ClinVar variation 3355791 (VCV003355791.1).

ClinVar aggregate classification (germline): Uncertain significance (0 of 4 stars; one submission).

Conditions:
NODAL-related disorder. Also called: NODAL-related condition; NODAL-related disorders. Identifiers: MedGen CN239298.

gnomAD v4.1: 5 of 1,614,150 alleles (0.00031%); highest among the groups gnomAD compares: Middle Eastern, 0.016%; no homozygotes.

Submission:

PreventionGenetics, part of Exact Sciences
Classification: Uncertain significance for NODAL-related condition. Last evaluated: 2024-07-30. Review status: no assertion criteria provided. Collection method: clinical testing. Allele origin: germline.
Comment: The NODAL c.831G>C variant is predicted to result in the amino acid substitution p.Glu277Asp. To our knowledge, this variant has not been reported in the literature or in a large population database, indicating this variant is rare. At this time, the clinical significance of this variant is uncertain due to the absence of conclusive functional and genetic evidence.